The following is an entry in ClinVar:

ClinVar aggregate classification (germline): Uncertain significance (1 of 4 stars; one submission).

Conditions:
T-B+ severe combined immunodeficiency due to JAK3 deficiency. Also called: SCID, T CELL-NEGATIVE, B CELL-POSITIVE, NK CELL-NEGATIVE; SCID, autosomal recessive, T-negative/B-positive type. Identifiers: Orphanet 35078, MedGen C1833275, MONDO:0010938, OMIM 600802.

Allele frequency attached by ClinVar (database versions not stated): gnomAD 0.00001; gnomAD exomes 0.00001; TOPMed 0.00001.
gnomAD v4.1: 5 of 1,594,998 alleles (0.00031%); highest among the groups gnomAD compares: Admixed American, 0.0069%; no homozygotes.

Submission:

Labcorp Genetics (formerly Invitae), Labcorp
Classification: Uncertain significance for T-B+ severe combined immunodeficiency due to JAK3 deficiency. Last evaluated: 2022-04-09. Review status: criteria provided, single submitter. Criteria: Invitae Variant Classification Sherloc (09022015). Collection method: clinical testing. Allele origin: germline.
Comment: This sequence change replaces glutamic acid, which is acidic and polar, with glycine, which is neutral and non-polar, at codon 1055 of the JAK3 protein (p.Glu1055Gly). The frequency data for this variant in the population databases is considered unreliable, as metrics indicate poor data quality at this position in the gnomAD database. This variant has not been reported in the literature in individuals affected with JAK3-related conditions. Algorithms developed to predict the effect of missense changes on protein structure and function (SIFT, PolyPhen-2, Align-GVGD) all suggest that this variant is likely to be tolerated. In summary, the available evidence is currently insufficient to determine the role of this variant in disease. Therefore, it has been classified as a Variant of Uncertain Significance.

NM_000215.4(JAK3):c.3164A>G (p.Glu1055Gly)

Gene: JAK3 (Janus kinase 3; minus strand). Cytogenetic location: 19p13.11.
Variant type: single nucleotide variant.
Coding change: c.3164A>G on transcript NM_000215.4 (MANE Select); coding-DNA position 3164, A replaced by G.
Protein change: p.Glu1055Gly; replaces glutamic acid 1055 with glycine.
Molecular consequence: missense variant.
Genome position (GRCh38, 1-based): chr19:17,830,151, T>C on the plus strand (A>G on the coding strand, the complement: JAK3 is on the minus strand). VCF-style: chr19-17830151-T-C. GRCh37 (hg19) VCF-style: chr19-17940960-T-C.
Other names: short protein forms E1055G.
Identifiers: ClinVar variation 2174061 (VCV002174061.1), dbSNP rs1373181728, ClinGen allele CA404764047.